The following is an entry in ClinVar:

ClinVar aggregate classification (germline): Uncertain significance (1 of 4 stars; one submission).

Conditions:
Alstrom syndrome (ALMS). Identifiers: Orphanet 64, MedGen C0268425, MONDO:0008763, OMIM 203800.

Allele frequency attached by ClinVar (database versions not stated): gnomAD 0.00001; TOPMed 0.00002; ESP Exome Variant Server 0.00017.

Submission:

Labcorp Genetics (formerly Invitae), Labcorp
Classification: Uncertain significance for Alstrom syndrome. Last evaluated: 2021-09-06. Review status: criteria provided, single submitter. Criteria: Invitae Variant Classification Sherloc (09022015). Collection method: clinical testing. Allele origin: germline.
Comment: This sequence change replaces threonine with isoleucine at codon 413 of the ALMS1 protein (p.Thr413Ile). The threonine residue is moderately conserved and there is a moderate physicochemical difference between threonine and isoleucine. This variant is not present in population databases (ExAC no frequency). This variant has not been reported in the literature in individuals affected with ALMS1-related conditions. Experimental studies and prediction algorithms are not available or were not evaluated, and the functional significance of this variant is currently unknown. In summary, the available evidence is currently insufficient to determine the role of this variant in disease. Therefore, it has been classified as a Variant of Uncertain Significance.

NM_001378454.1(ALMS1):c.1235C>T (p.Thr412Ile)

Gene: ALMS1 (ALMS1 centrosome and basal body associated protein; plus strand). Cytogenetic location: 2p13.1.
Variant type: single nucleotide variant.
Coding change: c.1235C>T on transcript NM_001378454.1 (MANE Select); coding-DNA position 1235, C replaced by T.
Protein change: p.Thr412Ile; replaces threonine 412 with isoleucine.
Molecular consequence: missense variant.
Genome position (GRCh38, 1-based): chr2:73,424,900, C>T. VCF-style: chr2-73424900-C-T. GRCh37 (hg19) VCF-style: chr2-73652028-C-T.
Other names: c.1238C>T, p.Thr413Ile (NM_015120.4); short protein forms T412I, T413I.
Identifiers: ClinVar variation 1437856 (VCV001437856.3), dbSNP rs369637082, ClinGen allele CA50368893.